The following is an entry in ClinVar:

NM_001292063.2(OTOG):c.2924C>T (p.Thr975Ile)

Gene: OTOG (otogelin; plus strand). Cytogenetic location: 11p15.1.
Variant type: single nucleotide variant.
Coding change: c.2924C>T on transcript NM_001292063.2 (MANE Select); coding-DNA position 2924, C replaced by T.
Protein change: p.Thr975Ile; replaces threonine 975 with isoleucine.
Molecular consequence: missense variant.
Genome position (GRCh38, 1-based): chr11:17,591,506, C>T. VCF-style: chr11-17591506-C-T. GRCh37 (hg19) VCF-style: chr11-17613053-C-T.
Other names: c.2960C>T, p.Thr987Ile (NM_001277269.2); short protein forms T975I, T987I.
Identifiers: ClinVar variation 4082669 (VCV004082669.1).
Genomic context (GRCh38, chr11:17,591,506, plus strand): 5'-TCAGTGTGTGCCAGCGGGGCTCATTCCAGTGCACCCTGCACCCTTGCGCCTCCACCTGCA[C>T]TGCCTATGGGGACCGGCATTACCGCACGTTTGATGGGCTCCCGTTTGACTTCGTGGGGGC-3'
Protein context (NP_001278992.1, residues 965-985): CTLHPCASTC[Thr975Ile]AYGDRHYRTF

ClinVar aggregate classification (germline): Uncertain significance (1 of 4 stars; one submission).

gnomAD v4.1: 5 of 1,550,622 alleles (0.00032%); highest among the groups gnomAD compares: East Asian, 0.0073%; no homozygotes.

Submission:

GeneDx
Classification: Uncertain significance. Last evaluated: 2025-03-06. Review status: criteria provided, single submitter. Criteria: GeneDx Variant Classification Process June 2021. Collection method: clinical testing. Allele origin: germline. Affected: yes.
Comment: Not observed at significant frequency in large population cohorts (gnomAD); In silico analysis supports that this missense variant has a deleterious effect on protein structure/function; Has not been previously published as pathogenic or benign to our knowledge